The following is an entry in ClinVar:

ClinVar aggregate classification (germline): Uncertain significance (1 of 4 stars; one submission).

Conditions:
Inborn genetic diseases. Identifiers: MedGen C0950123, MeSH D030342.

Submission:

Ambry Genetics
Classification: Uncertain significance for Inborn genetic diseases. Last evaluated: 2025-03-10. Review status: criteria provided, single submitter. Criteria: Ambry Variant Classification Scheme 2023. Collection method: clinical testing. Allele origin: germline.
Comment: The p.H157Q variant (also known as c.471T>A), located in coding exon 4 of the RTEL1 gene, results from a T to A substitution at nucleotide position 471. The histidine at codon 157 is replaced by glutamine, an amino acid with highly similar properties. This amino acid position is conserved. In addition, this alteration is predicted to be tolerated by in silico analysis. Based on the available evidence, the clinical significance of this variant remains unclear.

NM_001283009.2(RTEL1):c.471T>A (p.His157Gln)

Genes: RTEL1 (regulator of telomere elongation helicase 1; plus strand), RTEL1-TNFRSF6B (RTEL1-TNFRSF6B readthrough (NMD candidate); plus strand). Cytogenetic location: 20q13.33.
Variant type: single nucleotide variant.
Coding change: c.471T>A on transcript NM_001283009.2 (MANE Select); coding-DNA position 471, T replaced by A.
Protein change: p.His157Gln; replaces histidine 157 with glutamine.
Molecular consequence: missense variant. On other transcripts: non-coding transcript variant (1), 5 prime UTR variant (1).
Genome position (GRCh38, 1-based): chr20:63,662,621, T>A. VCF-style: chr20-63662621-T-A. GRCh37 (hg19) VCF-style: chr20-62293974-T-A.
Other names: c.-199T>A (NM_001283010.1); c.471T>A, p.His157Gln (NM_016434.4); c.543T>A, p.His181Gln (NM_032957.5); short protein forms H181Q, H157Q.
Identifiers: ClinVar variation 3791215 (VCV003791215.1).
Genomic context (GRCh38, chr20:63,662,621, plus strand): 5'-GCTGGGCTCCCGGGAGCAGCTGTGCATCCATCCTGAGGTGAAGAAACAAGAGAGTAACCA[T>A]CTACAGGTAGGCTCCTGGGCTCCCGCTCCGGCTCAGTGTCCGACAGGCGAGTGCTGCTGG-3'
Protein context (NP_001269938.1, residues 147-167): HPEVKKQESN[His157Gln]LQIHLCRKKV